The following is an entry in ClinVar:

ClinVar aggregate classification (germline): Pathogenic. Review status: criteria provided, multiple submitters, no conflicts (2 of 4 stars). 2 submissions from 2 submitters: Pathogenic (2). Last evaluated 2024-07-02.

Conditions:
Intellectual developmental disorder, X-linked 90. Also called: DLG3-Related X-Linked Nonsyndromic Mental Retardation; Intellectual disability, X-linked 90. Identifiers: Orphanet 777, MedGen C3275443, MONDO:0010452, OMIM 300850.

Submissions (2):

GeneDx
Classification: Pathogenic. Last evaluated: 2024-07-02. Review status: criteria provided, single submitter. Criteria: GeneDx Variant Classification Process June 2021. Collection method: clinical testing. Allele origin: germline. Affected: yes.
Comment: Nonsense variant predicted to result in protein truncation or nonsense mediated decay in a gene for which loss of function is a known mechanism of disease; Not observed at significant frequency in large population cohorts (gnomAD); This variant is associated with the following publications: (PMID: 28777483, 23020937, 25649377)

Juno Genomics, Hangzhou Juno Genomics, Inc
Classification: Pathogenic for Intellectual developmental disorder, X-linked 90. Review status: criteria provided, single submitter. Criteria: ACMG Guidelines, 2015. Collection method: clinical testing. Allele origin: germline. Affected: yes.
Comment: Absent from controls (or at extremely low frequency if recessive) in Genome Aggregation Database, Exome Sequencing Project, 1000 Genomes Project, or Exome Aggregation Consortium.;Null variant in a gene where loss of function (LOF) is a known mechanism of disease.;The prevalence of the variant in affected individuals is significantly increased compared to the prevalence in controls.

NM_021120.4(DLG3):c.649C>T (p.Arg217Ter)

Gene: DLG3 (discs large MAGUK scaffold protein 3; plus strand). Cytogenetic location: Xq13.1.
Variant type: single nucleotide variant.
Coding change: c.649C>T on transcript NM_021120.4 (MANE Select); coding-DNA position 649, C replaced by T.
Protein change: p.Arg217Ter; replaces arginine 217 with a stop codon.
Molecular consequence: nonsense.
Genome position (GRCh38, 1-based): chrX:70,449,805, C>T. VCF-style: chrX-70449805-C-T. GRCh37 (hg19) VCF-style: chrX-69669655-C-T.
Other names: short protein forms R217*.
Identifiers: ClinVar variation 3393533 (VCV003393533.2).